The following is an entry in ClinVar:

NM_001015880.2(PAPSS2):c.1175G>A (p.Arg392His)

Gene: PAPSS2 (3'-phosphoadenosine 5'-phosphosulfate synthase 2; plus strand). Cytogenetic location: 10q23.31.
Variant type: single nucleotide variant.
Coding change: c.1175G>A on transcript NM_001015880.2 (MANE Select); coding-DNA position 1175, G replaced by A.
Protein change: p.Arg392His; replaces arginine 392 with histidine.
Molecular consequence: missense variant.
Genome position (GRCh38, 1-based): chr10:87,741,323, G>A. VCF-style: chr10-87741323-G-A. GRCh37 (hg19) VCF-style: chr10-89501080-G-A.
Other names: c.1160G>A, p.Arg387His (NM_004670.4); c.1160G>A (NM_004670.3); short protein forms R392H, R387H.
Identifiers: ClinVar variation 1399209 (VCV001399209.7), dbSNP rs533052477, ClinGen allele CA5589674.

ClinVar aggregate classification (germline): Uncertain significance. Review status: criteria provided, multiple submitters, no conflicts (2 of 4 stars). 3 submissions from 3 submitters: Uncertain significance (3). Last evaluated 2025-06-29.

Conditions:
Inborn genetic diseases. Identifiers: MedGen C0950123, MeSH D030342.
Spondyloepimetaphyseal dysplasia, PAPSS2 type. Also called: SEMD, PAKISTANI TYPE; BRACHYOLMIA TYPE 4 WITH MILD EPIPHYSEAL AND METAPHYSEAL CHANGES; SPONDYLODYSPLASIA AND PREMATURE PUBARCHE. Identifiers: Orphanet 93282, MedGen C2748516, MONDO:0019666, OMIM 612847.

Allele frequency attached by ClinVar (database versions not stated): gnomAD 0.00001 and 0.00003; gnomAD exomes 0.00001 and 0.00002; ExAC 0.00002; TOPMed 0.00002; 1000 Genomes Project 30x 0.00016; 1000 Genomes Project 0.00020.
gnomAD v4.1: 36 of 1,613,752 alleles (0.0022%); highest among the groups gnomAD compares: Admixed American, 0.01%; no homozygotes.

Submissions (3):

Ambry Genetics
Classification: Uncertain significance for Inborn genetic diseases. Last evaluated: 2025-06-29. Review status: criteria provided, single submitter. Criteria: Ambry Variant Classification Scheme 2023. Collection method: clinical testing. Allele origin: germline.

Blueprint Genetics
Classification: Uncertain significance. Last evaluated: 2024-08-02. Review status: criteria provided, single submitter. Criteria: ACMG Guidelines, 2015. Collection method: clinical testing. Allele origin: germline.

Labcorp Genetics (formerly Invitae), Labcorp
Classification: Uncertain significance for Spondyloepimetaphyseal dysplasia, PAPSS2 type. Last evaluated: 2022-09-27. Review status: criteria provided, single submitter. Criteria: Invitae Variant Classification Sherloc (09022015). Collection method: clinical testing. Allele origin: germline.
Comment: In summary, the available evidence is currently insufficient to determine the role of this variant in disease. Therefore, it has been classified as a Variant of Uncertain Significance. Algorithms developed to predict the effect of missense changes on protein structure and function (SIFT, PolyPhen-2, Align-GVGD) all suggest that this variant is likely to be disruptive. ClinVar contains an entry for this variant (Variation ID: 1399209). This variant has not been reported in the literature in individuals affected with PAPSS2-related conditions. This variant is present in population databases (rs533052477, gnomAD 0.007%). This sequence change replaces arginine, which is basic and polar, with histidine, which is basic and polar, at codon 392 of the PAPSS2 protein (p.Arg392His).